The following is an entry in ClinVar:

NM_001399.5(EDA):c.798T>C (p.Leu266=)

Gene: EDA (ectodysplasin A; plus strand). Cytogenetic location: Xq13.1.
Variant type: single nucleotide variant.
Coding change: c.798T>C on transcript NM_001399.5 (MANE Select); coding-DNA position 798, T replaced by C.
Protein change: p.Leu266=; no amino-acid change (leucine 266 retained).
Molecular consequence: synonymous variant. On other transcripts: intron variant (1).
Genome position (GRCh38, 1-based): chrX:70,033,402, T>C. VCF-style: chrX-70033402-T-C. GRCh37 (hg19) VCF-style: chrX-69253252-T-C.
Other names: c.798T>C, p.Leu266= (NM_001005609.2); c.794-5T>C (NM_001005612.3).
Identifiers: ClinVar variation 1334471 (VCV001334471.12), dbSNP rs2147516257, ClinGen allele CA517013818.

ClinVar aggregate classification (germline): Conflicting classifications of pathogenicity. Review status: criteria provided, conflicting classifications (1 of 4 stars). 3 submissions from 3 submitters: Likely pathogenic (2); Likely benign (1). Last evaluated 2025-08-24.

Conditions:
Hypohidrotic X-linked ectodermal dysplasia (XHED). Also called: ECTODERMAL DYSPLASIA, HYPOHIDROTIC, 1; CST SYNDROME; ECTODERMAL DYSPLASIA 1; Ectodermal Dysplasia 1, Anhidrotic; Anhidrotic ectodermal dysplasia X-linked; Christ Siemens Touraine syndrome. Identifiers: Orphanet 181, Orphanet 238468, MedGen C0162359, MONDO:0010585, OMIM 305100.
Asphyxiating thoracic dystrophy 3. Also called: SHORT-RIB THORACIC DYSPLASIA 3 WITH OR WITHOUT POLYDACTYLY; POLYDACTYLY WITH NEONATAL CHONDRODYSTROPHY, TYPE I; SHORT-RIB THORACIC DYSPLASIA 3/6 WITH POLYDACTYLY, DIGENIC; Saldino-Noonan Syndrome; Short rib polydactyly syndrome 2B. Identifiers: Orphanet 474, Orphanet 93269, Orphanet 93270, Orphanet 93271, MedGen C0036069, MONDO:0013127, OMIM 613091.

Submissions (3):

Labcorp Genetics (formerly Invitae), Labcorp
Classification: Likely benign for Hypohidrotic X-linked ectodermal dysplasia. Last evaluated: 2025-08-24. Review status: criteria provided, single submitter. Criteria: Invitae Variant Classification Sherloc (09022015). Collection method: clinical testing. Allele origin: germline.

Johns Hopkins Genomics, Johns Hopkins University
Classification: Likely pathogenic for Asphyxiating thoracic dystrophy 3. Last evaluated: 2024-12-09. Review status: criteria provided, single submitter. Criteria: ACMG Guidelines, 2015. Collection method: clinical testing. Allele origin: germline.
Comment: This EDA variant (rs2147516257) is absent from a large population dataset and has not been reported in the literature, to our knowledge. Per an outside lab, RNA analysis of this EDA variant revealed a defect in mRNA splicing that leads to skipping of exon 7; this change results in a shift in reading frame and generation of a premature termination codon (PTC), likely leading to nonsense-mediated decay (NMD) and lack of protein production. In addition, this variant was shown to segregate with ECTD1 in affected family members. We consider c.798T>C to be likely pathogenic for X-linked hypohidrotic ectodermal dysplasia-1.

Greenwood Genetic Center Diagnostic Laboratories, Greenwood Genetic Center
Classification: Likely pathogenic for Hypohidrotic X-linked ectodermal dysplasia. Last evaluated: 2021-09-01. Review status: criteria provided, single submitter. Criteria: ACMG Guidelines, 2015. Collection method: clinical testing. Allele origin: germline. Affected: yes.
Comment: PS3_very_strong (RNA study), PM2

Literature cited by the submitters: PubMed 20301291 (cited by Johns Hopkins Genomics, Johns Hopkins University); PubMed 8696334 (cited by Johns Hopkins Genomics, Johns Hopkins University); PubMed 9683615 (cited by Johns Hopkins Genomics, Johns Hopkins University).